The following is an entry in ClinVar:

ClinVar aggregate classification (germline): Conflicting classifications of pathogenicity. Review status: criteria provided, conflicting classifications (1 of 4 stars). 2 submissions from 2 submitters: Likely pathogenic (1); Uncertain significance (1). Last evaluated 2023-03-27.

Conditions:
ANO6-related disorder. Also called: ANO6-related condition.

Submissions (2):

PreventionGenetics, part of Exact Sciences
Classification: Likely pathogenic for ANO6-related condition. Last evaluated: 2023-03-27. Review status: criteria provided, single submitter. Criteria: ACMG Guidelines, 2015. Collection method: clinical testing. Allele origin: germline.
Comment: The ANO6 c.2339_2342delTCTC variant is predicted to result in a frameshift and premature protein termination (p.Leu780Profs*50). To our knowledge, this variant has not been reported in the literature or in a large population database, indicating this variant is rare. Frameshift variants in ANO6 are expected to be pathogenic. This variant is interpreted as likely pathogenic.

Labcorp Genetics (formerly Invitae), Labcorp
Classification: Uncertain significance. Last evaluated: 2023-03-01. Review status: criteria provided, single submitter. Criteria: Invitae Variant Classification Sherloc (09022015). Collection method: clinical testing. Allele origin: germline.
Comment: In summary, the available evidence is currently insufficient to determine the role of this variant in disease. Therefore, it has been classified as a Variant of Uncertain Significance. Experimental studies and prediction algorithms are not available or were not evaluated, and the functional significance of this variant is currently unknown. This variant has not been reported in the literature in individuals affected with ANO6-related conditions. This variant is not present in population databases (gnomAD no frequency). This sequence change creates a premature translational stop signal (p.Leu780Profs*50) in the ANO6 gene. While this is not anticipated to result in nonsense mediated decay, it is expected to disrupt the last 131 amino acid(s) of the ANO6 protein.

NM_001025356.3(ANO6):c.2339_2342del (p.Leu780fs)

Gene: ANO6 (anoctamin 6; plus strand). Cytogenetic location: 12q12.
Variant type: Microsatellite.
Coding change: c.2339_2342del on transcript NM_001025356.3 (MANE Select); coding-DNA positions 2339 to 2342, 4 bases deleted (TCTC; older notation c.2339_2342delTCTC).
Protein change: p.Leu780fs; shifts the reading frame from leucine 780.
Molecular consequence: frameshift variant.
Genome position (GRCh38, 1-based): chr12:45,421,192-45,421,195, TCTC deleted; deleting any 4 consecutive bases within chr12:45,421,189-45,421,195 gives the same sequence; the c. name uses the placement nearest the transcript's 3' end. VCF-style (leftmost placement, unchanged base first): chr12-45421188-ACTCT-A. GRCh37 (hg19) VCF-style: chr12-45814971-ACTCT-A.
Other names: c.2285_2288del, p.Leu762fs (NM_001142678.2); c.2339_2342del, p.Leu780fs (NM_001142679.2); c.2402_2405del, p.Leu801fs (NM_001204803.2); c.2306_2309del, p.Leu769fs (NM_001410973.1); short protein forms L762fs, L769fs, L780fs, L801fs.
Identifiers: ClinVar variation 2633787 (VCV002633787.4), dbSNP rs1459460059, ClinGen allele CA689241314.
Genomic context (GRCh38, chr12:45,421,188, plus strand): 5'-TTCTCCGTCCCTCCCTACGGGGACCACACTTCCTACACCATGGAAGGGTACATCAACAAC[ACTCT>A]CTCCATCTTCAAAGTCGCAGACTTCAAAAACAAAAGCAAGGGAAACCCGTACTCTGACCT-3'